The following is an entry in ClinVar:

NM_152564.5(VPS13B):c.5384C>T (p.Ala1795Val)

Gene: VPS13B (vacuolar protein sorting 13 homolog B; plus strand). Cytogenetic location: 8q22.2.
Variant type: single nucleotide variant.
Coding change: c.5384C>T on transcript NM_152564.5 (MANE Select); coding-DNA position 5384, C replaced by T.
Protein change: p.Ala1795Val; replaces alanine 1795 with valine.
Molecular consequence: missense variant.
Genome position (GRCh38, 1-based): chr8:99,641,974, C>T. VCF-style: chr8-99641974-C-T. GRCh37 (hg19) VCF-style: chr8-100654202-C-T.
Other names: c.5459C>T, p.Ala1820Val (NM_017890.5); short protein forms A1820V, A1795V.
Identifiers: ClinVar variation 2079749 (VCV002079749.1), dbSNP rs1287872336, ClinGen allele CA371872438.

ClinVar aggregate classification (germline): Uncertain significance (1 of 4 stars; one submission).

Conditions:
Cohen syndrome (COH1). Also called: PEPPER SYNDROME; Cutis verticis gyrata, retinitis pigmentosa, and sensorineural deafness. Identifiers: Orphanet 193, MedGen C0265223, MONDO:0008999, OMIM 216550.

Allele frequency attached by ClinVar (database versions not stated): TOPMed below 0.00001; gnomAD exomes 0.00001.
gnomAD v4.1: 12 of 1,614,102 alleles (0.00074%); highest among the groups gnomAD compares: African/African-American, 0.0013%; no homozygotes.

Submission:

Labcorp Genetics (formerly Invitae), Labcorp
Classification: Uncertain significance for Cohen syndrome. Last evaluated: 2021-12-22. Review status: criteria provided, single submitter. Criteria: Invitae Variant Classification Sherloc (09022015). Collection method: clinical testing. Allele origin: germline.
Comment: This sequence change replaces alanine, which is neutral and non-polar, with valine, which is neutral and non-polar, at codon 1820 of the VPS13B protein (p.Ala1820Val). This variant is not present in population databases (gnomAD no frequency). This variant has not been reported in the literature in individuals affected with VPS13B-related conditions. Algorithms developed to predict the effect of missense changes on protein structure and function are either unavailable or do not agree on the potential impact of this missense change (SIFT: "Not Available"; PolyPhen-2: "Probably Damaging"; Align-GVGD: "Not Available"). In summary, the available evidence is currently insufficient to determine the role of this variant in disease. Therefore, it has been classified as a Variant of Uncertain Significance.